The following is an entry in ClinVar:

ClinVar aggregate classification (germline): Uncertain significance (1 of 4 stars; one submission).

Conditions:
PURA-related severe neonatal hypotonia-seizures-encephalopathy syndrome (NEDRIHF). Also called: PURA-Related Neurodevelopmental Disorders; NEURODEVELOPMENTAL DISORDER WITH NEONATAL RESPIRATORY INSUFFICIENCY, HYPOTONIA, AND FEEDING DIFFICULTIES. Identifiers: Orphanet 438213, Orphanet 438216, MedGen C4015357, MONDO:1060108, OMIM 616158, MONDO:0018580.

Submission:

Labcorp Genetics (formerly Invitae), Labcorp
Classification: Uncertain significance for PURA-related severe neonatal hypotonia-seizures-encephalopathy syndrome. Last evaluated: 2024-08-28. Review status: criteria provided, single submitter. Criteria: Invitae Variant Classification Sherloc (09022015). Collection method: clinical testing. Allele origin: germline.
Comment: This sequence change affects codon 216 of the PURA mRNA. It is a 'silent' change, meaning that it does not change the encoded amino acid sequence of the PURA protein. This variant is not present in population databases (gnomAD no frequency). This variant has not been reported in the literature in individuals affected with PURA-related conditions. In summary, the available evidence is currently insufficient to determine the role of this variant in disease. Therefore, it has been classified as a Variant of Uncertain Significance.

NM_005859.5(PURA):c.648C>G (p.Ala216=)

Gene: PURA (purine rich element binding protein A; plus strand). Cytogenetic location: 5q31.3.
Variant type: single nucleotide variant.
Coding change: c.648C>G on transcript NM_005859.5 (MANE Select); coding-DNA position 648, C replaced by G.
Protein change: p.Ala216=; no amino-acid change (alanine 216 retained).
Molecular consequence: synonymous variant.
Genome position (GRCh38, 1-based): chr5:140,114,829, C>G. VCF-style: chr5-140114829-C-G. GRCh37 (hg19) VCF-style: chr5-139494414-C-G.
Identifiers: ClinVar variation 3641377 (VCV003641377.2).